The following is an entry in ClinVar:

ClinVar aggregate classification (germline): Conflicting classifications of pathogenicity. Review status: criteria provided, conflicting classifications (1 of 4 stars). 5 submissions from 5 submitters: Uncertain significance (2); Benign (1); Likely benign (2). Last evaluated 2026-03-25.

Conditions:
Ehlers-Danlos syndrome, classic type, 1 (EDSCL1). Also called: Ehlers-Danlos Syndrome, Classic Type, COL5A1-Related; EDS I; Ehlers-Danlos syndrome, type 1; EHLERS-DANLOS SYNDROME, GRAVIS TYPE; EHLERS-DANLOS SYNDROME, SEVERE CLASSIC TYPE. Identifiers: MedGen C0268335, MONDO:0019567, OMIM 130000.
Familial thoracic aortic aneurysm and aortic dissection (TAAD). Also called: Thoracic aortic aneurysms and dissections. Identifiers: Orphanet 91387, MedGen C4707243, MONDO:0019625.

Allele frequency attached by ClinVar (database versions not stated): ExAC 0.00003; gnomAD exomes 0.00002; 1000 Genomes Project 0.00020; gnomAD 0.00009; TOPMed 0.00010; 1000 Genomes Project 30x 0.00016.
gnomAD v4.1: 23 of 1,613,914 alleles (0.0014%); highest among the groups gnomAD compares: African/African-American, 0.024%; no homozygotes.

Submissions (5):

Women's Health and Genetics/Laboratory Corporation of America, LabCorp
Classification: Likely benign. Last evaluated: 2026-03-25. Review status: criteria provided, single submitter. Criteria: LabCorp Variant Classification Summary - May 2015. Collection method: clinical testing. Allele origin: germline.
Comment: Variant summary: COL5A2 c.3542T>G (p.Val1181Gly) results in a non-conservative amino acid change in the encoded protein sequence. Algorithms developed to predict the effect of missense changes on protein structure and function are either unavailable or do not agree on the potential impact of this missense change. The variant allele was found at a frequency of 3.2e-05 in 282792 control chromosomes, predominantly at a frequency of 0.00032 within the African or African-American subpopulation in the gnomAD database v2. A total of 23 heterozygotes of this variant were observed in the gnomAD v4 database. To our knowledge, no occurrence of c.3542T>G in individuals affected with COL5A2-related conditions and no experimental evidence demonstrating its impact on protein function have been reported. ClinVar contains an entry for this variant (Variation ID: 576035). Based on the evidence outlined above, the variant was classified as likely benign.

Ambry Genetics
Classification: Likely benign for Familial thoracic aortic aneurysm and aortic dissection. Last evaluated: 2026-01-24. Review status: criteria provided, single submitter. Criteria: Ambry Variant Classification Scheme 2023. Collection method: clinical testing. Allele origin: germline.

GeneDx
Classification: Uncertain significance. Last evaluated: 2026-01-22. Review status: criteria provided, single submitter. Criteria: GeneDx Variant Classification Process June 2021. Collection method: clinical testing. Allele origin: germline. Affected: yes.
Comment: Has not been previously published as pathogenic or benign to our knowledge; In silico analysis suggests that this missense variant does not alter protein structure/function

Labcorp Genetics (formerly Invitae), Labcorp
Classification: Benign for Ehlers-Danlos syndrome, classic type, 1. Last evaluated: 2025-02-09. Review status: criteria provided, single submitter. Criteria: Invitae Variant Classification Sherloc (09022015). Collection method: clinical testing. Allele origin: germline.

Mayo Clinic Laboratories, Mayo Clinic
Classification: Uncertain significance. Last evaluated: 2025-01-16. Review status: criteria provided, single submitter. Criteria: ACMG Guidelines, 2015. Collection method: clinical testing. Allele origin: germline. Observed: 1 variant allele.
Comment: BS1

NM_000393.5(COL5A2):c.3542T>G (p.Val1181Gly)

Gene: COL5A2 (collagen type V alpha 2 chain; minus strand). Cytogenetic location: 2q32.2.
Variant type: single nucleotide variant.
Coding change: c.3542T>G on transcript NM_000393.5 (MANE Select); coding-DNA position 3542, T replaced by G.
Protein change: p.Val1181Gly; replaces valine 1181 with glycine.
Molecular consequence: missense variant.
Genome position (GRCh38, 1-based): chr2:189,041,677, A>C on the plus strand (T>G on the coding strand, the complement: COL5A2 is on the minus strand). VCF-style: chr2-189041677-A-C. GRCh37 (hg19) VCF-style: chr2-189906403-A-C.
Other names: p.Val1181Gly; c.3542T>G (NM_000393.4); short protein forms V1181G.
Identifiers: ClinVar variation 576035 (VCV000576035.52), dbSNP rs200845884, ClinGen allele CA2021970.